The following is an entry in ClinVar:

ClinVar aggregate classification (germline): Pathogenic (1 of 4 stars; one submission).

Conditions:
Joubert syndrome and related disorders. Identifiers: Orphanet 140874, MedGen C5679612, MONDO:0015369.

Submission:

Myriad Genetics, Inc.
Classification: Pathogenic for Joubert syndrome and related disorders. Last evaluated: 2026-04-07. Review status: criteria provided, single submitter. Criteria: Myriad Autosomal Dominant, Autosomal Recessive and X-Linked Classification Criteria (2023). Collection method: clinical testing. Allele origin: unknown.
Comment: NM_001080522.2(CC2D2A):c.1108delG(E370Sfs*16) is expected to be pathogenic in the context of CC2D2A-related disorders. This variant is predicted to lead to an abnormal or absent protein product due to the creation of a premature termination codon in CC2D2A, a gene where loss-of-function variants are known to be pathogenic. Please note: this variant was assessed in the context of healthy population screening.

NM_001378615.1(CC2D2A):c.1108del (p.Glu370fs)

Genes: CC2D2A (coiled-coil and C2 domain containing 2A; plus strand), FBXL5 (F-box and leucine rich repeat protein 5; minus strand). Cytogenetic location: 4p15.32.
Variant type: Deletion.
Coding change: c.1108del on transcript NM_001378615.1 (MANE Select); coding-DNA position 1108, one base deleted (G; older notation c.1108delG).
Protein change: p.Glu370fs; shifts the reading frame from glutamic acid 370.
Molecular consequence: frameshift variant.
Genome position (GRCh38, 1-based): chr4:15,516,715, G deleted; the last of 2 consecutive G bases (chr4:15,516,714-15,516,715); deleting either gives the same sequence. VCF-style (leftmost placement, unchanged base first): chr4-15516713-AG-A. GRCh37 (hg19) VCF-style: chr4-15518336-AG-A.
Other names: c.1108del, p.Glu370fs (NM_001080522.2); c.961del, p.Glu321fs (NM_001378617.1); short protein forms E321fs, E370fs.
Identifiers: ClinVar variation 5015776 (VCV005015776.1).